The following is an entry in ClinVar:

ClinVar aggregate classification (germline): Uncertain significance (1 of 4 stars; one submission).

Allele frequency attached by ClinVar (database versions not stated): TOPMed below 0.00001.

Submission:

Labcorp Genetics (formerly Invitae), Labcorp
Classification: Uncertain significance. Last evaluated: 2023-07-07. Review status: criteria provided, single submitter. Criteria: Invitae Variant Classification Sherloc (09022015). Collection method: clinical testing. Allele origin: germline.
Comment: In summary, the available evidence is currently insufficient to determine the role of this variant in disease. Therefore, it has been classified as a Variant of Uncertain Significance. Advanced modeling of protein sequence and biophysical properties (such as structural, functional, and spatial information, amino acid conservation, physicochemical variation, residue mobility, and thermodynamic stability) performed at Invitae indicates that this missense variant is expected to disrupt MYO6 protein function. ClinVar contains an entry for this variant (Variation ID: 1714898). This variant has not been reported in the literature in individuals affected with MYO6-related conditions. This variant is not present in population databases (gnomAD no frequency). This sequence change replaces phenylalanine, which is neutral and non-polar, with leucine, which is neutral and non-polar, at codon 758 of the MYO6 protein (p.Phe758Leu).

NM_004999.4(MYO6):c.2274T>G (p.Phe758Leu)

Gene: MYO6 (myosin VI; plus strand). Cytogenetic location: 6q14.1.
Variant type: single nucleotide variant.
Coding change: c.2274T>G on transcript NM_004999.4 (MANE Select); coding-DNA position 2274, T replaced by G.
Protein change: p.Phe758Leu; replaces phenylalanine 758 with leucine.
Molecular consequence: missense variant. On other transcripts: non-coding transcript variant (1).
Genome position (GRCh38, 1-based): chr6:75,880,108, T>G. VCF-style: chr6-75880108-T-G. GRCh37 (hg19) VCF-style: chr6-76589825-T-G.
Other names: c.2274T>G, p.Phe758Leu (NM_001300899.2, NM_001368136.1, NM_001368137.1 and 2 more transcripts); c.2259T>G, p.Phe753Leu (NM_001368138.1); short protein forms F753L, F758L.
Identifiers: ClinVar variation 1714898 (VCV001714898.5), dbSNP rs757762733, ClinGen allele CA364773414.
Genomic context (GRCh38, chr6:75,880,108, plus strand): 5'-GTTTAAAGCTTTGGGCTTAAATGAAAATGACTACAAGTTTGGGTTAACCAAAGTATTTTT[T>G]AGACCTGGCAAGGTAAATATACATTTTTTACTTTAAACTGTAACATCATGAAAACAAATA-3'
Protein context (NP_004990.3, residues 748-768): DYKFGLTKVF[Phe758Leu]RPGKFAEFDQ